The following is an entry in ClinVar:

ClinVar aggregate classification (germline): Likely pathogenic (1 of 4 stars; one submission).

Submission:

Labcorp Genetics (formerly Invitae), Labcorp
Classification: Likely pathogenic. Last evaluated: 2023-09-29. Review status: criteria provided, single submitter. Criteria: Invitae Variant Classification Sherloc (09022015). Collection method: clinical testing. Allele origin: unknown.
Comment: This variant results in a copy number gain of the genomic region encompassing exon(s) 4 of the ERCC8 gene. While the exact position of this variant cannot be determined from the data, sub-genic copy number gains are generally in tandem (PMID: 25640679). This variant is predicted to be out-of-frame, and may result in an absent or disrupted protein product. Loss-of-function variants in ERCC8 are known to be pathogenic (PMID: 29572252). This variant has not been reported in the literature in individuals affected with ERCC8-related conditions. In summary, the currently available evidence indicates that the variant is pathogenic, but additional data are needed to prove that conclusively. Therefore, this variant has been classified as Likely Pathogenic.

Literature cited by the submitters: PubMed 25640679; PubMed 29572252.

NC_000005.9:g.(?_60214072)_(60214235_?)dup

Gene: ERCC8 (ERCC excision repair 8, CSA ubiquitin ligase complex subunit; minus strand). Cytogenetic location: 5q12.1.
Variant type: Duplication.
Identifiers: ClinVar variation 3246437 (VCV003246437.1).